The following is an entry in ClinVar:

NM_001278669.2(NFATC1):c.636C>G (p.Pro212=)

Gene: NFATC1 (nuclear factor of activated T cells 1; plus strand). Cytogenetic location: 18q23.
Variant type: single nucleotide variant.
Coding change: c.636C>G on transcript NM_001278669.2 (MANE Select); coding-DNA position 636, C replaced by G.
Protein change: p.Pro212=; no amino-acid change (proline 212 retained).
Molecular consequence: synonymous variant. On other transcripts: intron variant (2).
Genome position (GRCh38, 1-based): chr18:79,410,911, C>G. VCF-style: chr18-79410911-C-G. GRCh37 (hg19) VCF-style: chr18-77170911-C-G.
Other names: c.636C>G, p.Pro212= (NM_001278670.2, NM_006162.5, NM_172390.3); c.597C>G, p.Pro199= (NM_001278672.2, NM_001278675.2, NM_172387.3 and 1 more transcripts); c.-191+14560C>G (NM_172388.3); c.-191+10432C>G (NM_001278673.2).
Identifiers: ClinVar variation 748560 (VCV000748560.27), dbSNP rs577582640, ClinGen allele CA9008881.

ClinVar aggregate classification (germline): Benign/Likely benign. Review status: criteria provided, multiple submitters, no conflicts (2 of 4 stars). 2 submissions from 2 submitters: Benign (1); Likely benign (1). Last evaluated 2022-12-01.

Allele frequency attached by ClinVar (database versions not stated): gnomAD 0.00009 and 0.00027; TOPMed 0.00015; gnomAD exomes 0.00112; ExAC 0.00113; 1000 Genomes Project 30x 0.00125; 1000 Genomes Project 0.00140.
gnomAD v4.1: 1,030 of 1,607,650 alleles (0.064%); highest among the groups gnomAD compares: South Asian, 0.88%; 8 homozygotes.

Submissions (2):

CeGaT Center for Human Genetics Tuebingen
Classification: Likely benign. Last evaluated: 2022-12-01. Review status: criteria provided, single submitter. Criteria: CeGaT Center For Human Genetics Tuebingen Variant Classification Criteria Version 2. Collection method: clinical testing. Allele origin: germline. Affected: yes. Observed: 2 variant alleles.
Comment: NFATC1: BP4, BP7

Labcorp Genetics (formerly Invitae), Labcorp
Classification: Benign. Last evaluated: 2018-05-26. Review status: criteria provided, single submitter. Criteria: Invitae Variant Classification Sherloc (09022015). Collection method: clinical testing. Allele origin: germline.